The following is an entry in ClinVar:

NM_001018005.2(TPM1):c.241G>T (p.Ala81Ser)

Gene: TPM1 (tropomyosin 1; plus strand). Cytogenetic location: 15q22.2.
Variant type: single nucleotide variant.
Coding change: c.241G>T on transcript NM_001018005.2 (MANE Select); coding-DNA position 241, G replaced by T.
Protein change: p.Ala81Ser; replaces alanine 81 with serine.
Molecular consequence: missense variant. On other transcripts: non-coding transcript variant (17).
Genome position (GRCh38, 1-based): chr15:63,056,985, G>T. VCF-style: chr15-63056985-G-T. GRCh37 (hg19) VCF-style: chr15-63349184-G-T.
Other names: c.241G>T, p.Ala81Ser (NM_000366.6, NM_001018004.2, NM_001018006.2 and 20 more transcripts); c.133G>T, p.Ala45Ser (NM_001018008.2, NM_001301289.2, NM_001330344.2 and 9 more transcripts); c.367G>T, p.Ala123Ser (NM_001365778.1, NM_001407322.1, NM_001407323.1 and 1 more transcripts); short protein forms A45S, A123S, A81S.
Identifiers: ClinVar variation 5031080 (VCV005031080.1).

ClinVar aggregate classification (germline): Uncertain significance (1 of 4 stars; one submission).

Conditions:
Cardiovascular phenotype. Identifiers: MedGen CN230736.

Submission:

Ambry Genetics
Classification: Uncertain significance for Cardiovascular phenotype. Last evaluated: 2026-07-07. Review status: criteria provided, single submitter. Criteria: Ambry Variant Classification Scheme 2023. Collection method: clinical testing. Allele origin: germline.
Comment: The p.A81S variant (also known as c.241G>T) is located in coding exon 3 of the TPM1 gene. The alanine at codon 81 is replaced by serine, an amino acid with similar properties. This change occurs in the first base pair of coding exon 3. This amino acid position is conserved. In addition, this alteration is predicted to be deleterious by in silico analysis. Based on the available evidence, the clinical significance of this variant remains unclear.